The following is an entry in ClinVar:

NM_032043.3(BRIP1):c.1315C>T (p.Arg439Ter)

Gene: BRIP1 (BRCA1 interacting DNA helicase 1; minus strand). Cytogenetic location: 17q23.2.
Variant type: single nucleotide variant.
Coding change: c.1315C>T on transcript NM_032043.3 (MANE Select); coding-DNA position 1315, C replaced by T.
Protein change: p.Arg439Ter; replaces arginine 439 with a stop codon.
Molecular consequence: nonsense.
Genome position (GRCh38, 1-based): chr17:61,799,125, G>A on the plus strand (C>T on the coding strand, the complement: BRIP1 is on the minus strand). VCF-style: chr17-61799125-G-A. GRCh37 (hg19) VCF-style: chr17-59876486-G-A.
Other names: p.R439*:CGA>TGA; short protein forms R439*.
Identifiers: ClinVar variation 128154 (VCV000128154.52), dbSNP rs587780226, ClinGen allele CA288511.

ClinVar aggregate classification (germline): Pathogenic. Review status: criteria provided, multiple submitters, no conflicts (2 of 4 stars). 13 submissions from 13 submitters: Pathogenic (11). 2 of the submissions do not count toward it. Last evaluated 2026-08-21.

Conditions:
Familial ovarian cancer. Identifiers: MedGen C5679802, MONDO:0016248.
Fanconi anemia complementation group J. Also called: BRIP1-Related Fanconi Anemia. Identifiers: Orphanet 84, MedGen C1836860, MONDO:0012187, OMIM 609054.
Ovarian cancer. Also called: OVARIAN CANCER, SOMATIC. Identifiers: Orphanet 213500, MedGen C1140680, MONDO:0008170, OMIM 167000.
BRIP1-related disorder. Also called: BRIP1-related condition; BRIP1-related disorders. Identifiers: MedGen CN239206.
Gastric cancer. Also called: Malignant tumor of stomach; Stomach cancer. Identifiers: MedGen C0024623, MeSH D013274, MONDO:0001056, OMIM 613659, HP:0012126.
Hereditary cancer-predisposing syndrome. Also called: Neoplastic Syndromes, Hereditary; Tumor predisposition; Hereditary Cancer Syndrome; Hereditary neoplastic syndrome. Identifiers: Orphanet 140162, MedGen C0027672, MeSH D009386, MONDO:0015356.
Familial cancer of breast. Also called: hereditary breast carcinoma; Hereditary breast cancer; BREAST CANCER, FAMILIAL. Identifiers: Orphanet 227535, MedGen C0346153, MONDO:0016419, OMIM 114480. Disease mechanism: loss of function.
Hereditary breast ovarian cancer syndrome. Also called: BRCA1- and BRCA2-Associated Hereditary Breast and Ovarian Cancer; Hereditary breast and ovarian cancer; Hereditary breast and ovarian cancer syndrome; Hereditary breast and ovarian cancer syndrome (HBOC); Breast and ovarian cancer; Hereditary breast and/or ovarian cancer syndrome. Identifiers: Orphanet 145, MedGen C0677776, MeSH D061325, MONDO:0003582. Disease mechanism: loss of function.

Allele frequency attached by ClinVar (database versions not stated): TOPMed below 0.00001; gnomAD exomes 0.00001.
gnomAD v4.1: 6 of 1,613,458 alleles (0.00037%); highest among the groups gnomAD compares: East Asian, 0.0089%; no homozygotes.

Submissions 1 to 10 of 13:

PreventionGenetics, part of Exact Sciences
Classification: Pathogenic for BRIP1-related condition. Last evaluated: 2026-08-21. Review status: criteria provided, single submitter. Criteria: ACMG Guidelines, 2015. Collection method: clinical testing. Allele origin: germline.
Comment: The BRIP1 c.1315C>T variant is predicted to result in premature protein termination (p.Arg439*). This variant has been reported in individuals with breast cancer (Frey et al. 2015. PubMed ID: 26296696; Easton et al. 2016. PubMed ID: 26921362. Table S1), Seminoma (Schrader et al. 2016. PubMed ID: 26556299. Table S8), as well as colorectal cancer (Shirts et al. 2016. PubMed ID: 26845104). This variant is reported in 0.011% of alleles in individuals of East Asian descent in gnomAD and interpreted as pathogenic in ClinVar (Variation ID: 128154). Nonsense variants in BRIP1 are expected to be pathogenic. This variant is interpreted as pathogenic.

Labcorp Genetics (formerly Invitae), Labcorp
Classification: Pathogenic for Familial cancer of breast; Fanconi anemia complementation group J. Last evaluated: 2026-01-29. Review status: criteria provided, single submitter. Criteria: Invitae Variant Classification Sherloc (09022015). Collection method: clinical testing. Allele origin: germline.
Comment: This sequence change creates a premature translational stop signal (p.Arg439*) in the BRIP1 gene. It is expected to result in an absent or disrupted protein product. Loss-of-function variants in BRIP1 are known to be pathogenic (PMID: 16116423, 17033622, 21964575). This variant is present in population databases (rs587780226, gnomAD 0.01%). This premature translational stop signal has been observed in individual(s) with breast cancer (PMID: 26681312, 26845104). ClinVar contains an entry for this variant (Variation ID: 128154). RNA analysis performed to evaluate the impact of this premature translational stop signal on mRNA splicing indicates it does not significantly alter splicing (internal data). For these reasons, this variant has been classified as Pathogenic.

3billion
Classification: Pathogenic for Fanconi anemia complementation group J. Last evaluated: 2026-01-05. Review status: criteria provided, single submitter. Criteria: ACMG Guidelines, 2015. Collection method: clinical testing. Allele origin: germline. Affected: yes.
Comment: The variant is observed at an extremely low frequency in the gnomAD v4.1.0 dataset (total allele frequency: <0.001%). Predicted Consequence/Location: Stop-gained (nonsense): predicted to result in a loss or disruption of normal protein function through nonsense-mediated decay (NMD) or protein truncation. Multiple pathogenic variants are reported downstream of the variant. The variant has been reported at least twice as pathogenic with clinical assertions and evidence for the classification (ClinVar ID: VCV000128154 /PMID: 26681312). Therefore, this variant is classified as Pathogenic according to the recommendation of ACMG/AMP guideline.

Quest Diagnostics Nichols Institute San Juan Capistrano
Classification: Pathogenic. Last evaluated: 2025-02-18. Review status: criteria provided, single submitter. Criteria: Quest Diagnostics criteria. Collection method: clinical testing. Allele origin: unknown.
Comment: The BRIP1 c.1315C>T (p.Arg439*) variant causes the premature termination of BRIP1 protein synthesis. In the published literature, this variant has been reported in individuals with breast cancer (PMIDs: 26296696 (2015), 26681312 (2015), 26921362 (2016), 33313162 (2020), 38355628 (2024), 33471991 (2021), see LOVD), ovarian cancer (PMID: 33842585 (2021)), gastric cancer (PMID: 36627197 (2023)), and colon cancer (PMID: 26845104 (2016)). This variant also showed loss of function effects in a cisplatin-sensitivity assay (PMID: 33619228 (2021)). The frequency of this variant in the general population (Genome Aggregation Database) is consistent with pathogenicity. Based on the available information, this variant is classified as pathogenic.

Color Diagnostics, LLC DBA Color Health
Classification: Pathogenic for Hereditary cancer-predisposing syndrome. Last evaluated: 2024-09-30. Review status: criteria provided, single submitter. Criteria: ACMG Guidelines, 2015. Collection method: clinical testing. Allele origin: germline.
Comment: This variant changes 1 nucleotide in exon 9 of the BRIP1 gene, creating a premature translation stop signal. This variant is expected to result in an absent or non-functional protein product. In a high-throughput in vitro assay, this variant failed to restore resistance to interstrand crosslink (ICL) inducing agents (PMID: 33619228). This variant has been reported in individuals affected with breast, ovarian, colon, and gastric cancer (PMID: 26681312, 26845104, 33313162, 33842585, 36627197). This variant has been identified in 3/251156 chromosomes in the general population by the Genome Aggregation Database (gnomAD). Loss of BRIP1 function is a known mechanism of disease. Based on the available evidence, this variant is classified as Pathogenic.

Ambry Genetics
Classification: Pathogenic for Hereditary cancer-predisposing syndrome. Last evaluated: 2024-08-08. Review status: criteria provided, single submitter. Criteria: Ambry Variant Classification Scheme 2023. Collection method: clinical testing. Allele origin: germline.
Comment: The p.R439* pathogenic mutation (also known as c.1315C>T), located in coding exon 8 of the BRIP1 gene, results from a C to T substitution at nucleotide position 1315. This changes the amino acid from an arginine to a stop codon within coding exon 8. In a functional study, this alteration was found to cause cisplatin sensitivity (Calvo JA et al. Mol Cancer Res, 2021 Feb;:). In addition to the clinical data presented in the literature, this alteration is expected to result in loss of function by premature protein truncation or nonsense-mediated mRNA decay. As such, this alteration is interpreted as a disease-causing mutation.

Baylor Genetics
Classification: Pathogenic for Familial cancer of breast. Last evaluated: 2024-03-24. Review status: criteria provided, single submitter. Criteria: ACMG Guidelines, 2015. Collection method: clinical testing. Allele origin: unknown.

GeneDx
Classification: Pathogenic. Last evaluated: 2023-03-29. Review status: criteria provided, single submitter. Criteria: GeneDx Variant Classification Process June 2021. Collection method: clinical testing. Allele origin: germline. Affected: yes.
Comment: Nonsense variant predicted to result in protein truncation or nonsense mediated decay in a gene for which loss of function is a known mechanism of disease; Not observed at significant frequency in large population cohorts (gnomAD); Published functional studies suggest a damaging effect: failed to confer resistance to inter-strand crosslink-inducing agents (Calvo et al., 2021); This variant is associated with the following publications: (PMID: 29922827, 26556299, 26296696, 26681312, 28495237, 28849200, 26921362, 26099045, 33151324, 35273153, 26845104, 33313162, 30982232, 30850667, 36627197, 33619228, 32566746, 35053526, 33842585)

Myriad Genetics, Inc.
Classification: Pathogenic for Familial cancer of breast. Last evaluated: 2023-03-02. Review status: criteria provided, single submitter. Criteria: Myriad Autosomal Dominant, Autosomal Recessive and X-Linked Classification Criteria (2023). Collection method: clinical testing. Allele origin: unknown.
Comment: This variant is considered pathogenic. This variant creates a termination codon and is predicted to result in premature protein truncation.

Department of Pathology and Laboratory Medicine, Sinai Health System
Classification: Pathogenic for Hereditary breast ovarian cancer syndrome. Last evaluated: 2021-02-16. Review status: criteria provided, single submitter. Criteria: ACMG Guidelines, 2015. Collection method: clinical testing. Allele origin: germline. Affected: yes.